The following is an entry in ClinVar:

NM_002474.3(MYH11):c.5256G>A (p.Met1752Ile)

Genes: MYH11 (myosin heavy chain 11; minus strand), NDE1 (nudE neurodevelopment protein 1; plus strand). Cytogenetic location: 16p13.11.
Variant type: single nucleotide variant.
Coding change: c.5256G>A on transcript NM_002474.3 (MANE Select); coding-DNA position 5256, G replaced by A.
Protein change: p.Met1752Ile; replaces methionine 1752 with isoleucine.
Molecular consequence: missense variant. On other transcripts: intron variant (2).
Genome position (GRCh38, 1-based): chr16:15,718,354, C>T on the plus strand (G>A on the coding strand, the complement: MYH11 is on the minus strand). VCF-style: chr16-15718354-C-T. GRCh37 (hg19) VCF-style: chr16-15812211-C-T.
Other names: c.5277G>A, p.Met1759Ile (NM_001040113.2, NM_001040114.2); c.5256G>A, p.Met1752Ile (NM_022844.3); c.948-5837C>T (NM_001143979.2, NM_017668.3); short protein forms M1759I, M1752I.
Identifiers: ClinVar variation 926941 (VCV000926941.5), dbSNP rs777832499, ClinGen allele CA7921353.

ClinVar aggregate classification (germline): Uncertain significance. Review status: criteria provided, multiple submitters, no conflicts (2 of 4 stars). 2 submissions from 2 submitters: Uncertain significance (2). Last evaluated 2024-05-14.

Conditions:
Familial thoracic aortic aneurysm and aortic dissection (TAAD). Also called: Thoracic aortic aneurysms and dissections. Identifiers: Orphanet 91387, MedGen C4707243, MONDO:0019625.

Allele frequency attached by ClinVar (database versions not stated): gnomAD exomes 0.00001 and 0.00002; ExAC 0.00004.
gnomAD v4.1: 18 of 1,608,988 alleles (0.0011%); highest among the groups gnomAD compares: South Asian, 0.018%; 1 homozygote.

Submissions (2):

All of Us Research Program, National Institutes of Health
Classification: Uncertain significance for Familial thoracic aortic aneurysm and aortic dissection. Last evaluated: 2024-05-14. Review status: criteria provided, single submitter. Criteria: ACMG Guidelines, 2015. Collection method: clinical testing. Allele origin: germline. Inheritance: Autosomal dominant inheritance. Observed: 1 variant allele, 1 heterozygote.
Comment: This missense variant replaces methionine with isoleucine at codon 1759 of the MYH11 protein. Computational prediction suggests that this variant may not impact protein structure and function (internally defined REVEL score threshold <= 0.5, PMID: 27666373). Splice site prediction tools suggest that this variant may not impact RNA splicing. To our knowledge, functional studies have not been performed for this variant. This variant has not been reported in individuals affected with cardiovascular disorders in the literature. This variant has been identified in 6/247180 chromosomes in the general population by the Genome Aggregation Database (gnomAD). The available evidence is insufficient to determine the role of this variant in disease conclusively. Therefore, this variant is classified as a Variant of Uncertain Significance.

This study involves interpretation of variants in research participants for the purpose of population health screening. Participant phenotype was not available at the time of variant classification. Additional details can be found in publication PMID: 35346344, PMCID: PMC8962531

Color Diagnostics, LLC DBA Color Health
Classification: Uncertain significance for Familial thoracic aortic aneurysm and aortic dissection. Last evaluated: 2024-03-06. Review status: criteria provided, single submitter. Criteria: ACMG Guidelines, 2015. Collection method: clinical testing. Allele origin: germline.
Comment: This missense variant replaces methionine with isoleucine at codon 1759 of the MYH11 protein. Computational prediction suggests that this variant may not impact protein structure and function (internally defined REVEL score threshold <= 0.5, PMID: 27666373). Splice site prediction tools suggest that this variant may not impact RNA splicing. To our knowledge, functional studies have not been performed for this variant. This variant has not been reported in individuals affected with cardiovascular disorders in the literature. This variant has been identified in 6/247180 chromosomes in the general population by the Genome Aggregation Database (gnomAD). The available evidence is insufficient to determine the role of this variant in disease conclusively. Therefore, this variant is classified as a Variant of Uncertain Significance.